The following is an entry in ClinVar:

NM_013254.4(TBK1):c.101T>G (p.Leu34Ter)

Gene: TBK1 (TANK binding kinase 1; plus strand). Cytogenetic location: 12q14.2.
Variant type: single nucleotide variant.
Coding change: c.101T>G on transcript NM_013254.4 (MANE Select); coding-DNA position 101, T replaced by G.
Protein change: p.Leu34Ter; replaces leucine 34 with a stop codon.
Molecular consequence: nonsense.
Genome position (GRCh38, 1-based): chr12:64,460,202, T>G. VCF-style: chr12-64460202-T-G. GRCh37 (hg19) VCF-style: chr12-64853982-T-G.
Other names: short protein forms L34*.
Identifiers: ClinVar variation 2919092 (VCV002919092.3), dbSNP rs2539482429, ClinGen allele CA385594279.
Genomic context (GRCh38, chr12:64,460,202, plus strand): 5'-TTTACAATATTATGAATAAATAAAACATTTCTCTCTCTTTTTTAAAGAAAACTGGTGATT[T>G]ATTTGCTATCAAAGTATTTAATAACATAAGCTTCCTTCGTCCAGTGGATGTTCAAATGAG-3'

ClinVar aggregate classification (germline): Pathogenic (1 of 4 stars; one submission).

Conditions:
Frontotemporal dementia and/or amyotrophic lateral sclerosis 4. Also called: FTDALS4. Identifiers: Orphanet 275872, MedGen C4225325, MONDO:0014641, OMIM 616439.

Submission:

Labcorp Genetics (formerly Invitae), Labcorp
Classification: Pathogenic for Frontotemporal dementia and/or amyotrophic lateral sclerosis 4. Last evaluated: 2023-06-05. Review status: criteria provided, single submitter. Criteria: Invitae Variant Classification Sherloc (09022015). Collection method: clinical testing. Allele origin: germline.
Comment: For these reasons, this variant has been classified as Pathogenic. This variant has not been reported in the literature in individuals affected with TBK1-related conditions. This variant is not present in population databases (gnomAD no frequency). This sequence change creates a premature translational stop signal (p.Leu34*) in the TBK1 gene. It is expected to result in an absent or disrupted protein product. Loss-of-function variants in TBK1 are known to be pathogenic (PMID: 25803835, 26476236, 26581300).

Literature cited by the submitters: PubMed 25803835; PubMed 26476236; PubMed 26581300.